The following is an entry in ClinVar:

ClinVar aggregate classification (germline): Uncertain significance (1 of 4 stars; one submission).

Conditions:
Congenital myasthenic syndrome 2A. Also called: Myasthenic syndrome, congenital, 2a, slow-channel. Identifiers: Orphanet 590, MedGen C4225374, MONDO:0014581, OMIM 616313.

gnomAD v4.1: 2 of 1,614,132 alleles (0.00012%); highest among the groups gnomAD compares: Non-Finnish European, 0.00017%; no homozygotes.

Submission:

Labcorp Genetics (formerly Invitae), Labcorp
Classification: Uncertain significance for Congenital myasthenic syndrome 2A. Last evaluated: 2024-06-13. Review status: criteria provided, single submitter. Criteria: Invitae Variant Classification Sherloc (09022015). Collection method: clinical testing. Allele origin: germline.
Comment: This sequence change replaces arginine, which is basic and polar, with proline, which is neutral and non-polar, at codon 216 of the CHRNB1 protein (p.Arg216Pro). This variant is not present in population databases (gnomAD no frequency). This variant has not been reported in the literature in individuals affected with CHRNB1-related conditions. Advanced modeling of protein sequence and biophysical properties (such as structural, functional, and spatial information, amino acid conservation, physicochemical variation, residue mobility, and thermodynamic stability) performed at Invitae indicates that this missense variant is expected to disrupt CHRNB1 protein function with a positive predictive value of 80%. In summary, the available evidence is currently insufficient to determine the role of this variant in disease. Therefore, it has been classified as a Variant of Uncertain Significance.

NM_000747.3(CHRNB1):c.647G>C (p.Arg216Pro)

Gene: CHRNB1 (cholinergic receptor nicotinic beta 1 subunit; plus strand). Cytogenetic location: 17p13.1.
Variant type: single nucleotide variant.
Coding change: c.647G>C on transcript NM_000747.3 (MANE Select); coding-DNA position 647, G replaced by C.
Protein change: p.Arg216Pro; replaces arginine 216 with proline.
Molecular consequence: missense variant.
Genome position (GRCh38, 1-based): chr17:7,448,615, G>C. VCF-style: chr17-7448615-G-C. GRCh37 (hg19) VCF-style: chr17-7351934-G-C.
Other names: short protein forms R216P.
Identifiers: ClinVar variation 3718945 (VCV003718945.2).